The following is an entry in ClinVar:

ClinVar aggregate classification (germline): Likely pathogenic (1 of 4 stars; one submission).

Conditions:
Fabry disease. Also called: ALPHA-GALACTOSIDASE A DEFICIENCY; ANDERSON-FABRY DISEASE; CERAMIDE TRIHEXOSIDASE DEFICIENCY; GLA DEFICIENCY; HEREDITARY DYSTOPIC LIPIDOSIS; Angiokeratoma corporis diffusum. Identifiers: Orphanet 324, MedGen C0002986, MONDO:0010526, OMIM 301500, HP:0001071. Disease mechanism: Fabry disease is due to inactivating mutations in the X-linked GLA gene resulting in deficiency of the enzyme Alpha Galactosidase-A., loss of function.

Submission:

Genomenon, Inc
Classification: Likely pathogenic for Fabry disease. Last evaluated: 2026-09-08. Review status: criteria provided, single submitter. Criteria: Genomenon Sequence Variant Interpretation Standards - Updated. Collection method: curation. Allele origin: germline. Affected: yes.
Comment: GLA p.Cys174Gly (c.520T>G) is a missense variant that changes the amino acid at codon 174 from Cysteine to Glycine. This variant has been observed in at least one proband with clinical features consistent with Fabry disease (PMID:33022387;35972684;30406505;23600802;38410281;24475416;26937405;34263113;31718986). The variant was found to segregate with disease in at least one affected family (PMID:26937405). At least one functional study has demonstrated a substantial alteration in protein function relative to the wild-type (PMID:27657681). It is absent or not present at a significant frequency in gnomAD. In conclusion, we classify GLA p.Cys174Gly (c.520T>G) as a likely pathogenic variant.

Literature cited by the submitters: PubMed 33022387; PubMed 35972684; PubMed 30406505; PubMed 23600802; PubMed 38410281; PubMed 24475416; PubMed 26937405; PubMed 34263113; PubMed 31718986; PubMed 27657681.

NM_000169.3(GLA):c.520T>G (p.Cys174Gly)

Genes: GLA (galactosidase alpha; minus strand), RPL36A-HNRNPH2 (RPL36A-HNRNPH2 readthrough; plus strand). Cytogenetic location: Xq22.1.
Variant type: single nucleotide variant.
Coding change: c.520T>G on transcript NM_000169.3 (MANE Select); coding-DNA position 520, T replaced by G.
Protein change: p.Cys174Gly; replaces cysteine 174 with glycine.
Molecular consequence: missense variant. On other transcripts: non-coding transcript variant (3), intron variant (2).
Genome position (GRCh38, 1-based): chrX:101,401,659, A>C on the plus strand (T>G on the coding strand, the complement: GLA is on the minus strand). VCF-style: chrX-101401659-A-C. GRCh37 (hg19) VCF-style: chrX-100656647-A-C.
Other names: c.643T>G, p.Cys215Gly (NM_001406747.1, NM_001406749.1); c.520T>G, p.Cys174Gly (NM_001406748.1); c.300+6202A>C (NM_001199973.2); c.177+9837A>C (NM_001199974.2); short protein forms C174G, C215G.
Identifiers: ClinVar variation 4087410 (VCV004087410.2).
Genomic context (GRCh38, chrX:101,401,659, plus strand): 5'-CTTTGTGGCTAAATCTCTGGAATGAAACATTACCATCTGCCAAATTTTCCAAACTGTCAC[A>C]GTAACAACCATCAAATTTTAGCAGATCTACTCCCCAGTCAGCAAAGGTCTGGGCATCAAT-3'
Protein context (NP_000160.1, residues 164-184): VDLLKFDGCY[Cys174Gly]DSLENLADGY